The following is an entry in ClinVar:

ClinVar aggregate classification (germline): Uncertain significance. Review status: criteria provided, multiple submitters, no conflicts (2 of 4 stars). 3 submissions from 3 submitters: Uncertain significance (3). Last evaluated 2025-01-07.

Conditions:
Inborn genetic diseases. Identifiers: MedGen C0950123, MeSH D030342.
Sialic acid storage disease, severe infantile type (ISSD). Also called: SIALURIA, INFANTILE FORM; Free sialic acid storage disease, infantile form; Infantile Sialic Acid Storage Disease; INFANTILE SIALIC ACID STORAGE DISORDER; N-ACETYLNEURAMINIC ACID STORAGE DISEASE; NANA STORAGE DISEASE. Identifiers: Orphanet 309324, Orphanet 834, MedGen C1096902, MONDO:0010027, OMIM 269920.
Salla disease (SD). Also called: Less Severe FSASD (Salla Disease); Sialuria, Finnish type; N-acetylneuraminic acid (NANA) storage disease (NSD); Infantile sialic acid storage disorder (ISSD). Identifiers: Orphanet 309334, Orphanet 834, MedGen C1096903, MONDO:0011449, OMIM 604369.

Allele frequency attached by ClinVar (database versions not stated): ExAC 0.00001; gnomAD exomes 0.00001; gnomAD 0.00007; ESP Exome Variant Server 0.00008.
gnomAD v4.1: 21 of 1,613,996 alleles (0.0013%); highest among the groups gnomAD compares: African/African-American, 0.021%; no homozygotes.

Submissions (3):

Ambry Genetics
Classification: Uncertain significance for Inborn genetic diseases. Last evaluated: 2025-01-07. Review status: criteria provided, single submitter. Criteria: Ambry Variant Classification Scheme 2023. Collection method: clinical testing. Allele origin: germline.

Fulgent Genetics
Classification: Uncertain significance for Sialic acid storage disease, severe infantile type; Salla disease. Last evaluated: 2024-04-02. Review status: criteria provided, single submitter. Criteria: ACMG Guidelines, 2015. Collection method: clinical testing. Allele origin: germline.

Labcorp Genetics (formerly Invitae), Labcorp
Classification: Uncertain significance for Salla disease. Last evaluated: 2022-08-09. Review status: criteria provided, single submitter. Criteria: Invitae Variant Classification Sherloc (09022015). Collection method: clinical testing. Allele origin: germline.
Comment: This sequence change replaces phenylalanine, which is neutral and non-polar, with leucine, which is neutral and non-polar, at codon 473 of the SLC17A5 protein (p.Phe473Leu). The frequency data for this variant in the population databases is considered unreliable, as metrics indicate poor data quality at this position in the gnomAD database. This variant has not been reported in the literature in individuals affected with SLC17A5-related conditions. Algorithms developed to predict the effect of missense changes on protein structure and function (SIFT, PolyPhen-2, Align-GVGD) all suggest that this variant is likely to be tolerated. In summary, the available evidence is currently insufficient to determine the role of this variant in disease. Therefore, it has been classified as a Variant of Uncertain Significance.

NM_012434.5(SLC17A5):c.1419C>G (p.Phe473Leu)

Gene: SLC17A5 (solute carrier family 17 member 5; minus strand). Cytogenetic location: 6q13.
Variant type: single nucleotide variant.
Coding change: c.1419C>G on transcript NM_012434.5 (MANE Select); coding-DNA position 1419, C replaced by G.
Protein change: p.Phe473Leu; replaces phenylalanine 473 with leucine.
Molecular consequence: missense variant.
Genome position (GRCh38, 1-based): chr6:73,595,146, G>C on the plus strand (C>G on the coding strand, the complement: SLC17A5 is on the minus strand). VCF-style: chr6-73595146-G-C. GRCh37 (hg19) VCF-style: chr6-74304869-G-C.
Other names: c.1188C>G, p.Phe396Leu (NM_001382629.1); c.1328C>G, p.Ser443Cys (NM_001382630.1); c.1440C>G, p.Phe480Leu (NM_001382631.1); c.1332C>G, p.Phe444Leu (NM_001382632.1); c.1517C>G, p.Ser506Cys (NM_001382633.1); c.1260C>G, p.Phe420Leu (NM_001382634.1); c.1416C>G, p.Phe472Leu (NM_001382635.1); c.1101C>G, p.Phe367Leu (NM_001382636.1); and 1 more; short protein forms S506C, F420L, F472L, F444L, F473L, S443C, F367L, F396L.
Identifiers: ClinVar variation 2147859 (VCV002147859.3), dbSNP rs374866581, ClinGen allele CA3890261.
Genomic context (GRCh38, chr6:73,595,146, plus strand): 5'-GTGTCCATGGTGATCATTGAGAGCCCAGTTTTGTACTTCACCTTTGGCGAATAGTGTAAA[G>C]AAAATGGCACCAAAAACATTAATAGCAGCAGCAATATAGAACACGGTTTGCCATTCTCCA-3'
Protein context (NP_036566.1, residues 463-483): AAAINVFGAI[Phe473Leu]FTLFAKGEVQ